The following is an entry in ClinVar:

NM_144670.6(A2ML1):c.3358G>A (p.Gly1120Ser)

Gene: A2ML1 (alpha-2-macroglobulin like 1; plus strand). Cytogenetic location: 12p13.31.
Variant type: single nucleotide variant.
Coding change: c.3358G>A on transcript NM_144670.6 (MANE Select); coding-DNA position 3358, G replaced by A.
Protein change: p.Gly1120Ser; replaces glycine 1120 with serine.
Molecular consequence: missense variant.
Genome position (GRCh38, 1-based): chr12:8,861,153, G>A. VCF-style: chr12-8861153-G-A. GRCh37 (hg19) VCF-style: chr12-9013749-G-A.
Other names: c.1885G>A, p.Gly629Ser (NM_001282424.3); short protein forms G1120S, G629S.
Identifiers: ClinVar variation 1730567 (VCV001730567.2), dbSNP rs775401210, ClinGen allele CA6436363.

ClinVar aggregate classification (germline): Uncertain significance (1 of 4 stars; one submission).

Allele frequency attached by ClinVar (database versions not stated): TOPMed below 0.00001; gnomAD exomes 0.00001; ExAC 0.00002.
gnomAD v4.1: 19 of 1,614,066 alleles (0.0012%); highest among the groups gnomAD compares: Non-Finnish European, 0.0015%; no homozygotes.

Submission:

Ambry Genetics
Classification: Uncertain significance. Last evaluated: 2021-12-03. Review status: criteria provided, single submitter. Criteria: Ambry Variant Classification Scheme 2023. Collection method: clinical testing. Allele origin: germline.
Comment: The p.G1120S variant (also known as c.3358G>A), located in coding exon 28 of the A2ML1 gene, results from a G to A substitution at nucleotide position 3358. The glycine at codon 1120 is replaced by serine, an amino acid with similar properties. This amino acid position is conserved. In addition, this alteration is predicted to be tolerated by in silico analysis. Since supporting evidence is limited at this time, the clinical significance of this alteration remains unclear.